The following is an entry in ClinVar:

NM_001134831.2(AHI1):c.2962G>A (p.Glu988Lys)

Gene: AHI1 (Abelson helper integration site 1; minus strand). Cytogenetic location: 6q23.3.
Variant type: single nucleotide variant.
Coding change: c.2962G>A on transcript NM_001134831.2 (MANE Select); coding-DNA position 2962, G replaced by A.
Protein change: p.Glu988Lys; replaces glutamic acid 988 with lysine.
Molecular consequence: missense variant.
Genome position (GRCh38, 1-based): chr6:135,404,977, C>T on the plus strand (G>A on the coding strand, the complement: AHI1 is on the minus strand). VCF-style: chr6-135404977-C-T. GRCh37 (hg19) VCF-style: chr6-135726115-C-T.
Other names: c.2962G>A, p.Glu988Lys (NM_001134830.2, NM_001134832.2, NM_001350503.2 and 2 more transcripts); short protein forms E988K.
Identifiers: ClinVar variation 1498660 (VCV001498660.8), dbSNP rs2128498551, ClinGen allele CA365844925.

ClinVar aggregate classification (germline): Uncertain significance (1 of 4 stars; one submission).

Conditions:
Joubert syndrome. Also called: CEREBELLOPARENCHYMAL DISORDER IV; JOUBERT-BOLTSHAUSER SYNDROME; Familial aplasia of the vermis. Identifiers: Orphanet 475, MedGen C5979921, MONDO:0018772.

Submission:

Labcorp Genetics (formerly Invitae), Labcorp
Classification: Uncertain significance for Joubert syndrome. Last evaluated: 2022-06-13. Review status: criteria provided, single submitter. Criteria: Invitae Variant Classification Sherloc (09022015). Collection method: clinical testing. Allele origin: germline.
Comment: In summary, the available evidence is currently insufficient to determine the role of this variant in disease. Therefore, it has been classified as a Variant of Uncertain Significance. Algorithms developed to predict the effect of sequence changes on RNA splicing suggest that this variant may disrupt the consensus splice site. Algorithms developed to predict the effect of missense changes on protein structure and function (SIFT, PolyPhen-2, Align-GVGD) all suggest that this variant is likely to be tolerated. This variant has not been reported in the literature in individuals affected with AHI1-related conditions. This variant is not present in population databases (gnomAD no frequency). This sequence change replaces glutamic acid, which is acidic and polar, with lysine, which is basic and polar, at codon 988 of the AHI1 protein (p.Glu988Lys).